The following is an entry in ClinVar:

ClinVar aggregate classification (germline): Uncertain significance (1 of 4 stars; one submission).

Conditions:
Dystonic disorder. Also called: Dystonia. Identifiers: MedGen C0013421, MONDO:0003441, HP:0001332.

gnomAD v4.1: 1 of 1,614,164 alleles (0.000062%); no homozygotes.

Submission:

Labcorp Genetics (formerly Invitae), Labcorp
Classification: Uncertain significance for Dystonic disorder. Last evaluated: 2025-07-16. Review status: criteria provided, single submitter. Criteria: Invitae Variant Classification Sherloc (09022015). Collection method: clinical testing. Allele origin: germline.
Comment: This sequence change replaces histidine, which is basic and polar, with aspartic acid, which is acidic and polar, at codon 344 of the GNAL protein (p.His344Asp). This variant is present in population databases (rs751514673, gnomAD no frequency). This variant has not been reported in the literature in individuals affected with GNAL-related conditions. Invitae Evidence Modeling of protein sequence and biophysical properties (such as structural, functional, and spatial information, amino acid conservation, physicochemical variation, residue mobility, and thermodynamic stability) indicates that this missense variant is expected to disrupt GNAL protein function with a positive predictive value of 80%. In summary, the available evidence is currently insufficient to determine the role of this variant in disease. Therefore, it has been classified as a Variant of Uncertain Significance.

NM_182978.4(GNAL):c.1261C>G (p.His421Asp)

Gene: GNAL (G protein subunit alpha L; plus strand). Cytogenetic location: 18p11.21.
Variant type: single nucleotide variant.
Coding change: c.1261C>G on transcript NM_182978.4 (MANE Select); coding-DNA position 1261, C replaced by G.
Protein change: p.His421Asp; replaces histidine 421 with aspartic acid.
Molecular consequence: missense variant.
Genome position (GRCh38, 1-based): chr18:11,881,019, C>G. VCF-style: chr18-11881019-C-G. GRCh37 (hg19) VCF-style: chr18-11881018-C-G.
Other names: c.1030C>G, p.His344Asp (NM_001142339.3, NM_001261443.2, NM_001369387.1); c.409C>G, p.His137Asp (NM_001261444.2); short protein forms H137D, H344D, H421D.
Identifiers: ClinVar variation 4744207 (VCV004744207.1).